The following is an entry in ClinVar:

NM_001369.3(DNAH5):c.3538G>A (p.Glu1180Lys)

Genes: DNAH5 (dynein axonemal heavy chain 5; minus strand), DNAH5-AS1 (DNAH5 antisense RNA 1; plus strand). Cytogenetic location: 5p15.2.
Variant type: single nucleotide variant.
Coding change: c.3538G>A on transcript NM_001369.3 (MANE Select); coding-DNA position 3538, G replaced by A.
Protein change: p.Glu1180Lys; replaces glutamic acid 1180 with lysine.
Molecular consequence: missense variant.
Genome position (GRCh38, 1-based): chr5:13,871,624, C>T on the plus strand (G>A on the coding strand, the complement: DNAH5 is on the minus strand). VCF-style: chr5-13871624-C-T. GRCh37 (hg19) VCF-style: chr5-13871733-C-T.
Other names: short protein forms E1180K.
Identifiers: ClinVar variation 571347 (VCV000571347.9), dbSNP rs1561477933, ClinGen allele CA359232832.

ClinVar aggregate classification (germline): Uncertain significance (1 of 4 stars; one submission).

Conditions:
Primary ciliary dyskinesia. Also called: Ciliary dyskinesia. Identifiers: Orphanet 244, MedGen C0008780, MONDO:0016575, HP:0012265.

gnomAD v4.1: 1 of 1,613,760 alleles (0.000062%); highest among the groups gnomAD compares: Non-Finnish European, 0.000085%; no homozygotes.

Submission:

Labcorp Genetics (formerly Invitae), Labcorp
Classification: Uncertain significance for Primary ciliary dyskinesia. Last evaluated: 2018-03-29. Review status: criteria provided, single submitter. Criteria: Invitae Variant Classification Sherloc (09022015). Collection method: clinical testing. Allele origin: germline.
Comment: This sequence change replaces glutamic acid with lysine at codon 1180 of the DNAH5 protein (p.Glu1180Lys). The glutamic acid residue is highly conserved and there is a small physicochemical difference between glutamic acid and lysine. This variant is not present in population databases (ExAC no frequency). This variant has not been reported in the literature in individuals with DNAH5-related disease. Algorithms developed to predict the effect of missense changes on protein structure and function do not agree on the potential impact of this missense change (SIFT: "Deleterious"; PolyPhen-2: "Benign"; Align-GVGD: "Class C0"). In summary, the available evidence is currently insufficient to determine the role of this variant in disease. Therefore, it has been classified as a Variant of Uncertain Significance.